The following is an entry in ClinVar:

ClinVar aggregate classification (germline): Uncertain significance. Review status: criteria provided, multiple submitters, no conflicts (2 of 4 stars). 2 submissions from 2 submitters: Uncertain significance (2). Last evaluated 2026-02-19.

Conditions:
Inborn genetic diseases. Identifiers: MedGen C0950123, MeSH D030342.

Allele frequency attached by ClinVar (database versions not stated): gnomAD exomes below 0.00001; TOPMed below 0.00001; ExAC 0.00001.
gnomAD v4.1: 2 of 1,613,696 alleles (0.00012%); highest among the groups gnomAD compares: Admixed American, 0.0017%; no homozygotes.

Submissions (2):

Ambry Genetics
Classification: Uncertain significance for Inborn genetic diseases. Last evaluated: 2026-02-19. Review status: criteria provided, single submitter. Criteria: Ambry Variant Classification Scheme 2023. Collection method: clinical testing. Allele origin: germline.
Comment: The p.M267T variant (also known as c.800T>C), located in coding exon 1 of the SAMD9L gene, results from a T to C substitution at nucleotide position 800. The methionine at codon 267 is replaced by threonine, an amino acid with similar properties. This amino acid position is conserved. In addition, this alteration is predicted to be tolerated by in silico analysis. Based on the available evidence, the clinical significance of this variant remains unclear.

Labcorp Genetics (formerly Invitae), Labcorp
Classification: Uncertain significance. Last evaluated: 2025-11-17. Review status: criteria provided, single submitter. Criteria: Invitae Variant Classification Sherloc (09022015). Collection method: clinical testing. Allele origin: germline.
Comment: This sequence change replaces methionine, which is neutral and non-polar, with threonine, which is neutral and polar, at codon 267 of the SAMD9L protein (p.Met267Thr). This variant is present in population databases (rs776351398, gnomAD 0.003%). This variant has not been reported in the literature in individuals affected with SAMD9L-related conditions. ClinVar contains an entry for this variant (Variation ID: 2844025). An algorithm developed to predict the effect of missense changes on protein structure and function (PolyPhen-2) suggests that this variant is likely to be tolerated. In summary, the available evidence is currently insufficient to determine the role of this variant in disease. Therefore, it has been classified as a Variant of Uncertain Significance.

NM_152703.5(SAMD9L):c.800T>C (p.Met267Thr)

Gene: SAMD9L (sterile alpha motif domain containing 9 like; minus strand). Cytogenetic location: 7q21.2.
Variant type: single nucleotide variant.
Coding change: c.800T>C on transcript NM_152703.5 (MANE Select); coding-DNA position 800, T replaced by C.
Protein change: p.Met267Thr; replaces methionine 267 with threonine.
Molecular consequence: missense variant.
Genome position (GRCh38, 1-based): chr7:93,135,172, A>G on the plus strand (T>C on the coding strand, the complement: SAMD9L is on the minus strand). VCF-style: chr7-93135172-A-G. GRCh37 (hg19) VCF-style: chr7-92764485-A-G.
Other names: c.800T>C (NM_152703.2); c.800T>C, p.Met267Thr (NM_001303496.3, NM_001303497.3, NM_001303498.3 and 5 more transcripts); short protein forms M267T.
Identifiers: ClinVar variation 2844025 (VCV002844025.4), dbSNP rs776351398, ClinGen allele CA4343815.